The following is an entry in ClinVar:

NM_001458.5(FLNC):c.3836C>T (p.Ser1279Phe)

Gene: FLNC (filamin C; plus strand). Cytogenetic location: 7q32.1.
Variant type: single nucleotide variant.
Coding change: c.3836C>T on transcript NM_001458.5 (MANE Select); coding-DNA position 3836, C replaced by T.
Protein change: p.Ser1279Phe; replaces serine 1279 with phenylalanine.
Molecular consequence: missense variant.
Genome position (GRCh38, 1-based): chr7:128,846,035, C>T. VCF-style: chr7-128846035-C-T. GRCh37 (hg19) VCF-style: chr7-128486089-C-T.
Other names: c.3836C>T, p.Ser1279Phe (NM_001127487.2); short protein forms S1279F.
Identifiers: ClinVar variation 2100762 (VCV002100762.4), dbSNP rs2536640794, ClinGen allele CA369198480.

ClinVar aggregate classification (germline): Uncertain significance (1 of 4 stars; one submission).

Conditions:
Distal myopathy with posterior leg and anterior hand involvement. Also called: WILLIAMS DISTAL MYOPATHY. Identifiers: Orphanet 63273, MedGen C3279722, MONDO:0013550, OMIM 614065.
Myofibrillar myopathy 5. Also called: Filaminopathy (type); FILAMINOPATHY, AUTOSOMAL DOMINANT. Identifiers: Orphanet 171445, MedGen C1836050, MONDO:0012289, OMIM 609524.
Hypertrophic cardiomyopathy 26. Also called: Cardiomyopathy, familial hypertrophic, 26. Identifiers: Orphanet 75249, MedGen C4310749, MONDO:0014883, OMIM 617047.

Submission:

Labcorp Genetics (formerly Invitae), Labcorp
Classification: Uncertain significance for Distal myopathy with posterior leg and anterior hand involvement; Myofibrillar myopathy 5; Hypertrophic cardiomyopathy 26. Last evaluated: 2022-02-20. Review status: criteria provided, single submitter. Criteria: Invitae Variant Classification Sherloc (09022015). Collection method: clinical testing. Allele origin: germline.
Comment: This variant is not present in population databases (gnomAD no frequency). In summary, the available evidence is currently insufficient to determine the role of this variant in disease. Therefore, it has been classified as a Variant of Uncertain Significance. Algorithms developed to predict the effect of missense changes on protein structure and function are either unavailable or do not agree on the potential impact of this missense change (SIFT: "Deleterious"; PolyPhen-2: "Possibly Damaging"; Align-GVGD: "Class C0"). This variant has not been reported in the literature in individuals affected with FLNC-related conditions. This sequence change replaces serine, which is neutral and polar, with phenylalanine, which is neutral and non-polar, at codon 1279 of the FLNC protein (p.Ser1279Phe).